The following is an entry in ClinVar:

ClinVar aggregate classification (germline): Pathogenic (1 of 4 stars; one submission).

Conditions:
Neonatal-onset encephalopathy with rigidity and seizures. Also called: Lethal neonatal spasticity-epileptic encephalopathy syndrome. Identifiers: Orphanet 435845, MedGen C3281029, MONDO:0013784, OMIM 614498.

Submission:

Labcorp Genetics (formerly Invitae), Labcorp
Classification: Pathogenic for Neonatal-onset encephalopathy with rigidity and seizures. Last evaluated: 2024-02-21. Review status: criteria provided, single submitter. Criteria: Invitae Variant Classification Sherloc (09022015). Collection method: clinical testing. Allele origin: germline.
Comment: This sequence change creates a premature translational stop signal (p.Gln575*) in the BRAT1 gene. It is expected to result in an absent or disrupted protein product. Loss-of-function variants in BRAT1 are known to be pathogenic (PMID: 22279524, 25500575). This variant is not present in population databases (gnomAD no frequency). This variant has not been reported in the literature in individuals affected with BRAT1-related conditions. Algorithms developed to predict the effect of sequence changes on RNA splicing suggest that this variant may disrupt the consensus splice site. For these reasons, this variant has been classified as Pathogenic.

Literature cited by the submitters: PubMed 22279524; PubMed 25500575.

NM_152743.4(BRAT1):c.1723C>T (p.Gln575Ter)

Gene: BRAT1 (BRCA1 associated ATM activator 1; minus strand). Cytogenetic location: 7p22.3.
Variant type: single nucleotide variant.
Coding change: c.1723C>T on transcript NM_152743.4 (MANE Select); coding-DNA position 1723, C replaced by T.
Protein change: p.Gln575Ter; replaces glutamine 575 with a stop codon.
Molecular consequence: nonsense. On other transcripts: non-coding transcript variant (1).
Genome position (GRCh38, 1-based): chr7:2,539,226, G>A on the plus strand (C>T on the coding strand, the complement: BRAT1 is on the minus strand). VCF-style: chr7-2539226-G-A. GRCh37 (hg19) VCF-style: chr7-2578860-G-A.
Other names: c.1723C>T, p.Gln575Ter (NM_001350626.2); c.1198C>T, p.Gln400Ter (NM_001350627.2); short protein forms Q400*, Q575*.
Identifiers: ClinVar variation 3642350 (VCV003642350.2).